The following is an entry in ClinVar:

ClinVar aggregate classification (germline): Conflicting classifications of pathogenicity. Review status: criteria provided, conflicting classifications (1 of 4 stars). 4 submissions from 4 submitters: Uncertain significance (1); Likely benign (3). Last evaluated 2026-01-09.

Conditions:
Temple-Baraitser syndrome (TMBTS). Also called: Severe mental retardation and absent nails of hallux and pollex. Identifiers: Orphanet 420561, MedGen C2678486, MONDO:0012735, OMIM 611816.

Submissions (4):

Labcorp Genetics (formerly Invitae), Labcorp
Classification: Likely benign. Last evaluated: 2026-01-09. Review status: criteria provided, single submitter. Criteria: Invitae Variant Classification Sherloc (09022015). Collection method: clinical testing. Allele origin: germline.

Dasa
Classification: Uncertain significance for Temple-Baraitser syndrome. Last evaluated: 2025-12-09. Review status: criteria provided, single submitter. Criteria: DASA Assertion Criteria. Collection method: clinical testing. Allele origin: germline.
Comment: NM_172362.3(KCNH1):c.2113-9_2113-4del is a splice-region variant. This variant is rare in population databases. The currently available literature and clinical evidence are not sufficient to establish a definitive association between this variant and the reported condition. Therefore, this variant is classified as a variant of uncertain significance.

Blueprint Genetics
Classification: Likely benign. Last evaluated: 2024-11-19. Review status: criteria provided, single submitter. Criteria: ACMG Guidelines, 2015. Collection method: clinical testing. Allele origin: germline.

GeneDx
Classification: Likely benign. Last evaluated: 2018-10-16. Review status: criteria provided, single submitter. Criteria: GeneDx Variant Classification Process June 2021. Collection method: clinical testing. Allele origin: germline. Affected: yes.

NM_172362.3(KCNH1):c.2113-21TC[6]

Gene: KCNH1 (potassium voltage-gated channel subfamily H member 1; minus strand). Cytogenetic location: 1q32.2.
Variant type: Microsatellite.
Coding change: c.2113-21TC[6] on transcript NM_172362.3 (MANE Select); six copies in a row of the 2-base unit TC starting at c.2113-21; the reference has nine copies in a row; three copies, 6 bases deleted.
Molecular consequence: intron variant.
Genome position (GRCh38, 1-based): chr1:210,684,142-210,684,147, GAGAGA deleted on the plus strand (TCTCTC on the coding strand, the reverse complement: KCNH1 is on the minus strand); deleting any 6 consecutive bases within chr1:210,684,142-210,684,159 gives the same sequence; the position shown is the placement nearest the transcript's 3' end. VCF-style (leftmost placement, unchanged base first): chr1-210684141-GGAGAGA-G. GRCh37 (hg19) VCF-style: chr1-210857483-GGAGAGA-G.
Other names: c.2032-21TC[6] (NM_002238.4); c.2113-9_2113-4del (NM_172362.3).
Identifiers: ClinVar variation 1198697 (VCV001198697.13), dbSNP rs144706702, ClinGen allele CA1379756.